The following is an entry in ClinVar:

NM_001034116.2(EIF2B4):c.335G>A (p.Arg112Gln)

Gene: EIF2B4 (eukaryotic translation initiation factor 2B subunit delta; minus strand). Cytogenetic location: 2p23.3.
Variant type: single nucleotide variant.
Coding change: c.335G>A on transcript NM_001034116.2 (MANE Select); coding-DNA position 335, G replaced by A.
Protein change: p.Arg112Gln; replaces arginine 112 with glutamine.
Molecular consequence: missense variant. On other transcripts: 5 prime UTR variant (2).
Genome position (GRCh38, 1-based): chr2:27,369,089, C>T on the plus strand (G>A on the coding strand, the complement: EIF2B4 is on the minus strand). VCF-style: chr2-27369089-C-T. GRCh37 (hg19) VCF-style: chr2-27591956-C-T.
Other names: c.398G>A, p.Arg133Gln (NM_001318965.2); c.290G>A, p.Arg97Gln (NM_001318966.2); c.242G>A, p.Arg81Gln (NM_001318967.2); c.-181G>A (NM_001318968.2); c.-258G>A (NM_001318969.2); c.332G>A, p.Arg111Gln (NM_015636.4); c.395G>A, p.Arg132Gln (NM_172195.4); short protein forms R81Q, R132Q, R97Q, R111Q, R112Q, R133Q.
Identifiers: ClinVar variation 895582 (VCV000895582.11), dbSNP rs774864445, ClinGen allele CA1576937.
Genomic context (GRCh38, chr2:27,369,089, plus strand): 5'-CTGGGGCTGGCCTTAGGAGGTGGTCCTCCTTGTTCCCCTTTTCTTGCCTGTTTCAGGGCC[C>T]GCTCGGCCTCCTGCTTGGCTCGACGCTCAGCCCGAAGTTCGGCCTTACTCCGACCAGCTG-3'
Protein context (NP_001029288.1, residues 102-122): AERRAKQEAE[Arg112Gln]ALKQARKGEQ

ClinVar aggregate classification (germline): Uncertain significance. Review status: criteria provided, multiple submitters, no conflicts (2 of 4 stars). 4 submissions from 4 submitters: Uncertain significance (4). Last evaluated 2022-04-06.

Conditions:
Vanishing white matter disease. Also called: CACH syndrome; Childhood ataxia with diffuse central nervous system hypomyelination; Leukoencephalopathy with vanishing white matter; CACH/VWM syndrome; Cree leukoencehalopathy. Identifiers: Orphanet 135, Orphanet 99853, MedGen C1858991, MONDO:0800448.
Inborn genetic diseases. Identifiers: MedGen C0950123, MeSH D030342.

Allele frequency attached by ClinVar (database versions not stated): gnomAD exomes 0.00004 and 0.00010; gnomAD 0.00009; ExAC 0.00010; TOPMed 0.00014.

Submissions (4):

Labcorp Genetics (formerly Invitae), Labcorp
Classification: Uncertain significance. Last evaluated: 2022-04-06. Review status: criteria provided, single submitter. Criteria: Invitae Variant Classification Sherloc (09022015). Collection method: clinical testing. Allele origin: germline.
Comment: This sequence change replaces arginine, which is basic and polar, with glutamine, which is neutral and polar, at codon 111 of the EIF2B4 protein (p.Arg111Gln). This variant is present in population databases (rs774864445, gnomAD 0.04%). This variant has not been reported in the literature in individuals affected with EIF2B4-related conditions. ClinVar contains an entry for this variant (Variation ID: 895582). Algorithms developed to predict the effect of missense changes on protein structure and function are either unavailable or do not agree on the potential impact of this missense change (SIFT: "Tolerated"; PolyPhen-2: "Possibly Damaging"; Align-GVGD: "Class C0"). In summary, the available evidence is currently insufficient to determine the role of this variant in disease. Therefore, it has been classified as a Variant of Uncertain Significance.

Blueprint Genetics
Classification: Uncertain significance. Last evaluated: 2021-12-02. Review status: criteria provided, single submitter. Criteria: ACMG Guidelines, 2015. Collection method: clinical testing. Allele origin: germline.

Ambry Genetics
Classification: Uncertain significance for Inborn genetic diseases. Last evaluated: 2021-10-06. Review status: criteria provided, single submitter. Criteria: Ambry Variant Classification Scheme 2023. Collection method: clinical testing. Allele origin: germline.

Illumina Laboratory Services, Illumina
Classification: Uncertain significance for Leukoencephalopathy with vanishing white matter 1. Last evaluated: 2018-01-13. Review status: criteria provided, single submitter. Criteria: ICSL Variant Classification Criteria 13 December 2019. Collection method: clinical testing. Allele origin: germline.